The following is an entry in ClinVar:

NM_033380.3(COL4A5):c.3128_3134del (p.Pro1043fs)

Gene: COL4A5 (collagen type IV alpha 5 chain; plus strand). Cytogenetic location: Xq22.3.
Variant type: Deletion.
Coding change: c.3128_3134del on transcript NM_033380.3 (MANE Select); coding-DNA positions 3128 to 3134, 7 bases deleted (CTCCTGG; older notation c.3128_3134delCTCCTGG).
Protein change: p.Pro1043fs; shifts the reading frame from proline 1043.
Molecular consequence: frameshift variant.
Genome position (GRCh38, 1-based): chrX:108,626,231-108,626,237, CTCCTGG deleted. VCF-style (leftmost placement, unchanged base first): chrX-108626230-CCTCCTGG-C. GRCh37 (hg19) VCF-style: chrX-107869460-CCTCCTGG-C.
Other names: c.3128_3134del, p.Pro1043fs (NM_000495.5); short protein forms P1043fs.
Identifiers: ClinVar variation 2812340 (VCV002812340.3), dbSNP rs2524422937, ClinGen allele CA2739273703.
Genomic context (GRCh38, chrX:108,626,230, plus strand): 5'-CATATTTTGTAAAATATTATATATCACATATTTTCAACAGGGCCTCAGGGTGTGGAAGGG[CCTCCTGG>C]ACCTTCTGGAGTTCCTGGACAACCTGGCTCCCCAGGATTACCTGGACAGAAAGGCGACAA-3'

ClinVar aggregate classification (germline): Pathogenic (1 of 4 stars; one submission).

Submission:

Labcorp Genetics (formerly Invitae), Labcorp
Classification: Pathogenic. Last evaluated: 2022-11-06. Review status: criteria provided, single submitter. Criteria: Invitae Variant Classification Sherloc (09022015). Collection method: clinical testing. Allele origin: germline.
Comment: For these reasons, this variant has been classified as Pathogenic. This variant has not been reported in the literature in individuals affected with COL4A5-related conditions. This variant is not present in population databases (gnomAD no frequency). This sequence change creates a premature translational stop signal (p.Pro1043Hisfs*107) in the COL4A5 gene. It is expected to result in an absent or disrupted protein product. Loss-of-function variants in COL4A5 are known to be pathogenic (PMID: 9195222, 10752524, 14514738, 24854265, 26809805).

Literature cited by the submitters: PubMed 9195222; PubMed 10752524; PubMed 14514738; PubMed 24854265; PubMed 26809805.